The following is an entry in ClinVar:

ClinVar aggregate classification (germline): Uncertain significance (1 of 4 stars; one submission).

Conditions:
ADCY3-related disorder. Also called: ADCY3-related condition.

gnomAD v4.1: 1 of 1,609,770 alleles (0.000062%); highest among the groups gnomAD compares: Non-Finnish European, 0.000085%; no homozygotes.

Submission:

PreventionGenetics, part of Exact Sciences
Classification: Uncertain significance for ADCY3-related condition. Last evaluated: 2026-06-29. Review status: criteria provided, single submitter. Criteria: ACMG Guidelines, 2015. Collection method: clinical testing. Allele origin: germline.
Comment: The ADCY3 c.45G>C variant is predicted to result in the amino acid substitution p.Glu15Asp. To our knowledge, this variant has not been reported in the literature. This variant is reported in 0.00097% of alleles in individuals of European (Non-Finnish) descent in gnomAD. At this time, the clinical significance of this variant is uncertain due to the absence of conclusive functional and genetic evidence.

NM_004036.5(ADCY3):c.45G>C (p.Glu15Asp)

Gene: ADCY3 (adenylate cyclase 3; minus strand). Cytogenetic location: 2p23.3.
Variant type: single nucleotide variant.
Coding change: c.45G>C on transcript NM_004036.5 (MANE Select); coding-DNA position 45, G replaced by C.
Protein change: p.Glu15Asp; replaces glutamic acid 15 with aspartic acid.
Molecular consequence: missense variant.
Genome position (GRCh38, 1-based): chr2:24,918,943, C>G on the plus strand (G>C on the coding strand, the complement: ADCY3 is on the minus strand). VCF-style: chr2-24918943-C-G. GRCh37 (hg19) VCF-style: chr2-25141812-C-G.
Other names: c.45G>C, p.Glu15Asp (NM_001320613.2, NM_001377128.1, NM_001377129.1 and 2 more transcripts); short protein forms E15D.
Identifiers: ClinVar variation 4995638 (VCV004995638.1).